The following is an entry in ClinVar:

ClinVar aggregate classification (germline): Likely pathogenic (1 of 4 stars; one submission).

Conditions:
Glanzmann thrombasthenia 1 (GT1). Also called: BLEEDING DISORDER, PLATELET-TYPE, 2; GP IIb-IIIa COMPLEX DEFICIENCY; GLYCOPROTEIN COMPLEX IIb-IIIa DEFICIENCY; PLATELET FIBRINOGEN RECEPTOR DEFICIENCY. Identifiers: MedGen CN300358, MONDO:0031332, OMIM 273800.
Platelet-type bleeding disorder 16 (BDPLT16). Also called: Bleeding disorder, platelet-type, 16, autosomal dominant. Identifiers: Orphanet 140957, MedGen C5442010, MONDO:0008552, OMIM 187800.

Submission:

Molecular Genetics Department, Kulakov National Medical Research Center for Obstetrics, Gynecology and Perinatology
Classification: Likely pathogenic for Platelet-type bleeding disorder 16; Glanzmann thrombasthenia 1. Review status: criteria provided, single submitter. Criteria: ACMG Guidelines, 2015. Collection method: clinical testing. Allele origin: germline. Affected: yes. Observed: 1 variant allele.
Comment: A previously undescribed homozygous nucleotide variant creates a frameshift p.Phe235LeufsTer20 in the ITGA2B gene. Homozygous and compound heterozygous variants are reported in patients with Glanzmann thrombasthenia 1, 273800. Heterozygous variants, but of a different type, are reported in patients with bleeding disorder, platelet-type, 16, autosomal dominant, 187800. The variant is not present in population database (gnomAD no frequency). In summary, the currently available evidence indicates that the variant is pathogenic, but additional data are needed to prove that conclusively. Therefore, this variant has been classified as likely pathogenic.

NM_000419.5(ITGA2B):c.703_704del (p.Phe235fs)

Gene: ITGA2B (integrin subunit alpha 2b; minus strand). Cytogenetic location: 17q21.31.
Variant type: Deletion.
Coding change: c.703_704del on transcript NM_000419.5 (MANE Select); coding-DNA positions 703 to 704, 2 bases deleted (TT; older notation c.703_704delTT).
Protein change: p.Phe235fs; shifts the reading frame from phenylalanine 235.
Molecular consequence: frameshift variant.
Genome position (GRCh38, 1-based): chr17:44,385,043-44,385,044, AA deleted on the plus strand (TT on the coding strand, the reverse complement: ITGA2B is on the minus strand); deleting any 2 consecutive bases within chr17:44,385,043-44,385,046 gives the same sequence; the c. name uses the placement nearest the transcript's 3' end. VCF-style (leftmost placement, unchanged base first): chr17-44385042-GAA-G. GRCh37 (hg19) VCF-style: chr17-42462410-GAA-G.
Other names: short protein forms F235fs.
Identifiers: ClinVar variation 4294453 (VCV004294453.1).